The following is an entry in ClinVar:

NM_007294.4(BRCA1):c.5116G>C (p.Gly1706Arg)

Gene: BRCA1 (BRCA1 DNA repair associated; minus strand). Cytogenetic location: 17q21.31.
Variant type: single nucleotide variant.
Coding change: c.5116G>C on transcript NM_007294.4 (MANE Select); coding-DNA position 5116, G replaced by C.
Protein change: p.Gly1706Arg; replaces glycine 1706 with arginine.
Molecular consequence: missense variant. On other transcripts: non-coding transcript variant (1).
Genome position (GRCh38, 1-based): chr17:43,063,910, C>G on the plus strand (G>C on the coding strand, the complement: BRCA1 is on the minus strand). VCF-style: chr17-43063910-C-G. GRCh37 (hg19) VCF-style: chr17-41215927-C-G.
Other names: c.1426G>C, p.Gly476Arg (NM_001408510.1); c.1423G>C, p.Gly475Arg (NM_001408511.1); c.1303G>C, p.Gly435Arg (NM_001408512.1); c.1276G>C, p.Gly426Arg (NM_001408513.1); c.880G>C, p.Gly294Arg (NM_001408514.1); c.4975G>C, p.Gly1659Arg (NM_007297.4, NM_001407696.1, NM_001407697.1 and 13 more transcripts); c.1804G>C, p.Gly602Arg (NM_007298.4, NM_007299.4, NM_007304.2 and 13 more transcripts); c.5179G>C, p.Gly1727Arg (NM_007300.4, NM_001407583.1, NM_001407585.1 and 1 more transcripts); and 71 more; short protein forms G1706R, G1659R, G1727R, G602R, G1410R, G1578R, G1593R, G1595R.
Identifiers: ClinVar variation 267219 (VCV000267219.21), dbSNP rs886040864, ClinGen allele CA501117.

ClinVar aggregate classification (germline): Pathogenic/Likely pathogenic. Review status: criteria provided, multiple submitters, no conflicts (2 of 4 stars). 5 submissions from 5 submitters: Pathogenic (3); Likely pathogenic (2). Last evaluated 2025-09-09.

Conditions:
Breast and/or ovarian cancer. Identifiers: MedGen CN221562.
Hereditary breast ovarian cancer syndrome. Also called: Hereditary breast and ovarian cancer syndrome (HBOC); Breast and ovarian cancer; Hereditary breast and ovarian cancer syndrome; Hereditary breast and ovarian cancer; BRCA1- and BRCA2-Associated Hereditary Breast and Ovarian Cancer; Hereditary breast and/or ovarian cancer syndrome. Identifiers: Orphanet 145, MedGen C0677776, MeSH D061325, MONDO:0003582. Disease mechanism: loss of function.
Hereditary cancer-predisposing syndrome. Also called: Hereditary Cancer Syndrome; Neoplastic Syndromes, Hereditary; Hereditary neoplastic syndrome; Tumor predisposition. Identifiers: Orphanet 140162, MedGen C0027672, MeSH D009386, MONDO:0015356.
Breast-ovarian cancer, familial, susceptibility to, 1 (BROVCA1). Also called: BRCA1 Hereditary Breast and Ovarian Cancer; OVARIAN CANCER, SUSCEPTIBILITY TO. Identifiers: Orphanet 145, MedGen C2676676, MONDO:0011450, OMIM 604370. Disease mechanism: loss of function.

Submissions (6):

German Consortium for Hereditary Breast and Ovarian Cancer, University Hospital Cologne
Classification: Pathogenic for Hereditary breast ovarian cancer syndrome. Last evaluated: 2025-09-09. Review status: criteria provided, single submitter. Criteria: ClinGen BRCA1 V1.1.0. Collection method: curation. Allele origin: germline.
Comment: This classification follows the ClinGen ENIGMA BRCA1 v1.1.0 classification scheme; We chose these criteria: PS1 (strong pathogenic): previously classified pathogenic variant c.5116G>A p.(Gly1706Arg), PS3 (strong pathogenic): Reported by one calibrated study to exhibit protein function similar to pathogenic control variants (PMID:30209399), PM2 (supporting pathogenic): absent from controls (gnomAD v2, v3, v4), PP3 (supporting pathogenic): missense variant inside a (potentially) clinically important functional domain and predicted impact via protein change (BayesDel no-AF score =0.39)

Dasa
Classification: Pathogenic for Breast-ovarian cancer, familial, susceptibility to, 1. Last evaluated: 2025-03-21. Review status: criteria provided, single submitter. Criteria: DASA Assertion Criteria. Collection method: clinical testing. Allele origin: germline.
Comment: NM_007294.4(BRCA1):c.5116G>C (p.Gly1706Arg) is a missense variant that results in the substitution of glycine with arginine. This variant results in the same amino acid change as a previously established pathogenic variant. Functional evidence supports a deleterious effect on the gene or gene product (PMID: 30209399). This variant has been reported in individuals with Breast-ovarian cancer, familial, susceptibility to, 1 (PMID: 30209399). Multiple computational predictions support a deleterious effect on the gene or gene product. The variant is present at low frequency in population datasets. Based on the available data, this variant is classified as pathogenic.

Color Diagnostics, LLC DBA Color Health
Classification: Likely pathogenic for Hereditary cancer-predisposing syndrome. Last evaluated: 2021-04-13. Review status: criteria provided, single submitter. Criteria: ACMG Guidelines, 2015. Collection method: clinical testing. Allele origin: germline.
Comment: This missense variant replaces glycine with arginine at codon 1706 of the BRCA1 protein. Computational prediction suggests that this variant may have deleterious impact on protein structure and function (internally defined REVEL score threshold >= 0.7, PMID: 27666373). Splice site prediction tools suggest that this variant may not impact RNA splicing. A different missense variant affecting the same codon, c.5117G>A (p.Gly1706Glu), is considered to be disease-causing (ClinVar variation ID 37638), suggesting that glycine at this position is important for protein structure and function. A functional study has shown this variant to be loss-of-function in a haploid cell proliferation assay (PMID: 30209399). Functional studies for a different nucleotide variant with the same protein change have shown this variant protein to be defective in transcriptional activation and homology-mediated DNA repair assays (PMID: 30257991, 30458859). This variant has been reported in an individual affected with breast or ovarian cancer (PMID: 25948282) and a different nucleotide variant with the same protein change has been observed in multiple individuals suspected of hereditary breast and ovarian cancer (PMID: 22144684) and who underwent cancer genetic testing (PMID: 28726806). This variant has not been identified in the general population by the Genome Aggregation Database (gnomAD). Based on the available evidence, this variant is classified as Likely Pathogenic.

Labcorp Genetics (formerly Invitae), Labcorp
Classification: Pathogenic for Hereditary breast ovarian cancer syndrome. Last evaluated: 2020-06-23. Review status: criteria provided, single submitter. Criteria: Invitae Variant Classification Sherloc (09022015). Collection method: clinical testing. Allele origin: germline.
Comment: For these reasons, this variant has been classified as Pathogenic. This variant disrupts the p.Gly1706 amino acid residue in BRCA1. Other variant(s) that disrupt this residue have been determined to be pathogenic (PMID: 15689452, 23867111, 27272900, 15923272, 17308087, 11979449, 17924331). This suggests that this residue is clinically-significant, and that variants that disrupt this residue are likely to be disease-causing. This missense change has been reported to affect BRCA1 protein function (PMID: 30209399, 30458859). This variant has been observed in individual(s) with breast and/or ovarian cancer (PMID: 29470806). ClinVar contains an entry for this variant (Variation ID: 267219). This variant is not present in population databases (ExAC no frequency). This sequence change replaces glycine with arginine at codon 1706 of the BRCA1 protein (p.Gly1706Arg). The glycine residue is highly conserved and there is a moderate physicochemical difference between glycine and arginine.

CHEO Genetics Diagnostic Laboratory, Children's Hospital of Eastern Ontario
Classification: Likely pathogenic for Breast and/or ovarian cancer. Last evaluated: 2018-06-01. Review status: criteria provided, single submitter. Criteria: ACMG Guidelines, 2015. Collection method: clinical testing. Allele origin: germline.

Brotman Baty Institute, University of Washington
No classification provided (evidence only). Condition: Breast-ovarian cancer, familial 1. Review status: no classification provided. Collection method: in vitro. Allele origin: not applicable. Functional consequence: functionally_abnormal. Not counted in ClinVar's aggregate classification.
ClinVar note: "not provided" was previously submitted as the classification for the variant. However, the classification appeared to be based only on an observation of functional data so it was converted to no classification on 2025-07-30.

Literature cited by the submitters: PubMed 30209399 (cited by Dasa and Labcorp Genetics (formerly Invitae), Labcorp); PubMed 15689452 (cited by Labcorp Genetics (formerly Invitae), Labcorp); PubMed 23867111 (cited by Labcorp Genetics (formerly Invitae), Labcorp); PubMed 27272900 (cited by Labcorp Genetics (formerly Invitae), Labcorp); PubMed 15923272 (cited by Labcorp Genetics (formerly Invitae), Labcorp); PubMed 17308087 (cited by Labcorp Genetics (formerly Invitae), Labcorp); PubMed 11979449 (cited by Labcorp Genetics (formerly Invitae), Labcorp); PubMed 17924331 (cited by Labcorp Genetics (formerly Invitae), Labcorp); PubMed 30458859 (cited by Labcorp Genetics (formerly Invitae), Labcorp); PubMed 29470806 (cited by Labcorp Genetics (formerly Invitae), Labcorp).